The following is an entry in ClinVar:

NM_001723.7(DST):c.7268G>T (p.Gly2423Val)

Gene: DST (dystonin; minus strand). Cytogenetic location: 6p12.1.
Variant type: single nucleotide variant.
Coding change: c.7268G>T on transcript NM_001723.7 (MANE Plus Clinical); coding-DNA position 7268, G replaced by T.
Protein change: p.Gly2423Val; replaces glycine 2423 with valine.
Molecular consequence: missense variant. On other transcripts: intron variant (10).
Genome position (GRCh38, 1-based): chr6:56,616,199, C>A on the plus strand (G>T on the coding strand, the complement: DST is on the minus strand). VCF-style: chr6-56616199-C-A. GRCh37 (hg19) VCF-style: chr6-56480997-C-A.
Other names: c.4831-1715G>T (NM_001144769.5); c.4930-1715G>T (NM_001374722.1, NM_001374736.1); c.4957-1715G>T (NM_001374734.1); c.4417-1715G>T (NM_001144770.2); c.4297-1715G>T (NM_001374730.1, NM_001386100.1, NM_183380.4 and 1 more transcripts); c.3319-1715G>T (NM_015548.5); short protein forms G2423V.
Identifiers: ClinVar variation 1021618 (VCV001021618.9), dbSNP rs1166275147, ClinGen allele CA364563344.
Genomic context (GRCh38, chr6:56,616,199, plus strand): 5'-TCTTTCTTGGGGACTAACCGGCTCAGCAAAGAATCAGCAAGTTCTGTAAGTGTGATGAGG[C>A]CTTCCTGATACTTTTTGACCAAGGCTTTGTCAATTGTTCCCTGCTCTATAGCCTCATTAA-3'
Protein context (NP_001714.1, residues 2413-2433): DKALVKKYQE[Gly2423Val]LITLTELADS

ClinVar aggregate classification (germline): Uncertain significance (1 of 4 stars; one submission).

Conditions:
Hereditary sensory and autonomic neuropathy type 6. Also called: Neuropathy, hereditary sensory and autonomic, type VI; HSAN VI. Identifiers: Orphanet 314381, MedGen C3539003, MONDO:0013839, OMIM 614653.
Epidermolysis bullosa simplex 3, localized or generalized intermediate, with BP230 deficiency (EBS3). Also called: Epidermolysis bullosa simplex due to BP230 deficiency; Epidermolysis bullosa simplex, autosomal recessive 2. Identifiers: Orphanet 412181, MedGen C3809470, MONDO:0014180, OMIM 615425.

Allele frequency attached by ClinVar (database versions not stated): gnomAD 0.00001; TOPMed 0.00001.
gnomAD v4.1: 3 of 1,614,038 alleles (0.00019%); highest among the groups gnomAD compares: Non-Finnish European, 0.00025%; no homozygotes.

Submission:

Labcorp Genetics (formerly Invitae), Labcorp
Classification: Uncertain significance for Epidermolysis bullosa simplex 3, localized or generalized intermediate, with BP230 deficiency; Hereditary sensory and autonomic neuropathy type 6. Last evaluated: 2020-09-17. Review status: criteria provided, single submitter. Criteria: Invitae Variant Classification Sherloc (09022015). Collection method: clinical testing. Allele origin: germline.
Comment: This sequence change replaces glycine with valine at codon 2423 of the DST protein (p.Gly2423Val). The glycine residue is weakly conserved and there is a moderate physicochemical difference between glycine and valine. This variant is not present in population databases (ExAC no frequency). In summary, the available evidence is currently insufficient to determine the role of this variant in disease. Therefore, it has been classified as a Variant of Uncertain Significance. Algorithms developed to predict the effect of missense changes on protein structure and function are either unavailable or do not agree on the potential impact of this missense change (SIFT: "Deleterious"; PolyPhen-2: "Possibly Damaging"; Align-GVGD: "Class C15"). This variant has not been reported in the literature in individuals with DST-related conditions.